The following is an entry in ClinVar:

ClinVar aggregate classification (germline): Uncertain significance. Review status: criteria provided, multiple submitters, no conflicts (2 of 4 stars). 2 submissions from 2 submitters: Uncertain significance (2). Last evaluated 2023-11-23.

Conditions:
Cardiovascular phenotype. Identifiers: MedGen CN230736.
DK1-congenital disorder of glycosylation. Also called: CONGENITAL DISORDER OF GLYCOSYLATION, TYPE Im; DK1-CDG; CDG Im; DK1 DEFICIENCY; DOLICHOL KINASE DEFICIENCY; DOLK-congenital disorder of glycosylation. Identifiers: Orphanet 91131, MedGen C1835849, MONDO:0012556, OMIM 610768.

Allele frequency attached by ClinVar (database versions not stated): gnomAD exomes below 0.00001; gnomAD 0.00001; TOPMed 0.00001.
gnomAD v4.1: 8 of 1,614,048 alleles (0.0005%); highest among the groups gnomAD compares: Middle Eastern, 0.016%; no homozygotes.

Submissions (2):

Ambry Genetics
Classification: Uncertain significance for Cardiovascular phenotype. Last evaluated: 2023-11-23. Review status: criteria provided, single submitter. Criteria: Ambry Variant Classification Scheme 2023. Collection method: clinical testing. Allele origin: germline.
Comment: The p.V453L variant (also known as c.1357G>C), located in coding exon 1 of the DOLK gene, results from a G to C substitution at nucleotide position 1357. The valine at codon 453 is replaced by leucine, an amino acid with highly similar properties. This amino acid position is conserved. In addition, this alteration is predicted to be tolerated by in silico analysis. Since supporting evidence is limited at this time, the clinical significance of this alteration remains unclear.

Labcorp Genetics (formerly Invitae), Labcorp
Classification: Uncertain significance for DK1-congenital disorder of glycosylation. Last evaluated: 2022-06-20. Review status: criteria provided, single submitter. Criteria: Invitae Variant Classification Sherloc (09022015). Collection method: clinical testing. Allele origin: germline.
Comment: This variant has not been reported in the literature in individuals affected with DOLK-related conditions. This variant is present in population databases (no rsID available, gnomAD 0.0009%). This sequence change replaces valine, which is neutral and non-polar, with leucine, which is neutral and non-polar, at codon 453 of the DOLK protein (p.Val453Leu). ClinVar contains an entry for this variant (Variation ID: 640685). In summary, the available evidence is currently insufficient to determine the role of this variant in disease. Therefore, it has been classified as a Variant of Uncertain Significance. Algorithms developed to predict the effect of missense changes on protein structure and function (SIFT, PolyPhen-2, Align-GVGD) all suggest that this variant is likely to be tolerated.

NM_014908.4(DOLK):c.1357G>C (p.Val453Leu)

Gene: DOLK (dolichol kinase; minus strand). Cytogenetic location: 9q34.11.
Variant type: single nucleotide variant.
Coding change: c.1357G>C on transcript NM_014908.4 (MANE Select); coding-DNA position 1357, G replaced by C.
Protein change: p.Val453Leu; replaces valine 453 with leucine.
Molecular consequence: missense variant.
Genome position (GRCh38, 1-based): chr9:128,945,947, C>G on the plus strand (G>C on the coding strand, the complement: DOLK is on the minus strand). VCF-style: chr9-128945947-C-G. GRCh37 (hg19) VCF-style: chr9-131708226-C-G.
Other names: short protein forms V453L.
Identifiers: ClinVar variation 640685 (VCV000640685.8), dbSNP rs1294479059, ClinGen allele CA375117325.
Genomic context (GRCh38, chr9:128,945,947, plus strand): 5'-AAGTCTTTTTGGTTCCAGGCCAGCGGATCTCCCCCATGGTGCTACCGAAGATGGAGGCCA[C>G]AGTATCACCCACACCCACAGCCAGGACACCGGCATAGGGGACGAGGGCCCTGGCTCCTCC-3'
Protein context (NP_055723.1, residues 443-463): GVLAVGVGDT[Val453Leu]ASIFGSTMGE